The following is an entry in ClinVar:

NM_001184.4(ATR):c.7462G>A (p.Gly2488Ser)

Gene: ATR (ATR checkpoint kinase; minus strand). Cytogenetic location: 3q23.
Variant type: single nucleotide variant.
Coding change: c.7462G>A on transcript NM_001184.4 (MANE Select); coding-DNA position 7462, G replaced by A.
Protein change: p.Gly2488Ser; replaces glycine 2488 with serine.
Molecular consequence: missense variant.
Genome position (GRCh38, 1-based): chr3:142,458,999, C>T on the plus strand (G>A on the coding strand, the complement: ATR is on the minus strand). VCF-style: chr3-142458999-C-T. GRCh37 (hg19) VCF-style: chr3-142177841-C-T.
Other names: c.7270G>A, p.Gly2424Ser (NM_001354579.2); short protein forms G2424S, G2488S.
Identifiers: ClinVar variation 1759027 (VCV001759027.3), dbSNP rs1473297786, ClinGen allele CA354795946.
Genomic context (GRCh38, chr3:142,458,999, plus strand): 5'-AGTAACTCATATCACATACCTTATTGAAAAGACAATTGAAATCTACATGTACGCATTCAC[C>T]AGTCAAAGAATCAAAGAGAATATTTTCACCATGACGGTCTCCAAGCCCCAGAATATAACC-3'
Protein context (NP_001175.2, residues 2478-2498): GENILFDSLT[Gly2488Ser]ECVHVDFNCL

ClinVar aggregate classification (germline): Uncertain significance (1 of 4 stars; one submission).

Conditions:
Inborn genetic diseases. Identifiers: MedGen C0950123, MeSH D030342.

gnomAD v4.1: 1 of 1,613,850 alleles (0.000062%); highest among the groups gnomAD compares: Admixed American, 0.0017%; no homozygotes.

Submission:

Ambry Genetics
Classification: Uncertain significance for Inborn genetic diseases. Last evaluated: 2024-06-10. Review status: criteria provided, single submitter. Criteria: Ambry Variant Classification Scheme 2023. Collection method: clinical testing. Allele origin: germline.
Comment: The p.G2488S variant (also known as c.7462G>A), located in coding exon 44 of the ATR gene, results from a G to A substitution at nucleotide position 7462. The glycine at codon 2488 is replaced by serine, an amino acid with similar properties. This amino acid position is conserved. In addition, this alteration is predicted to be deleterious by in silico analysis. Since supporting evidence is limited at this time, the clinical significance of this alteration remains unclear.